The following is an entry in ClinVar:

NM_030665.4(RAI1):c.4682G>C (p.Arg1561Pro)

Gene: RAI1 (retinoic acid induced 1; plus strand). Cytogenetic location: 17p11.2.
Variant type: single nucleotide variant.
Coding change: c.4682G>C on transcript NM_030665.4 (MANE Select); coding-DNA position 4682, G replaced by C.
Protein change: p.Arg1561Pro; replaces arginine 1561 with proline.
Molecular consequence: missense variant.
Genome position (GRCh38, 1-based): chr17:17,797,630, G>C. VCF-style: chr17-17797630-G-C. GRCh37 (hg19) VCF-style: chr17-17700944-G-C.
Other names: short protein forms R1561P.
Identifiers: ClinVar variation 2647525 (VCV002647525.24), dbSNP rs755678482, ClinGen allele CA288371393.

ClinVar aggregate classification (germline): Likely benign (1 of 4 stars; one submission).

gnomAD v4.1: 1 of 1,613,788 alleles (0.000062%); highest among the groups gnomAD compares: Non-Finnish European, 0.000085%; no homozygotes.

Submission:

CeGaT Center for Human Genetics Tuebingen
Classification: Likely benign. Last evaluated: 2022-07-01. Review status: criteria provided, single submitter. Criteria: CeGaT Center For Human Genetics Tuebingen Variant Classification Criteria Version 2. Collection method: clinical testing. Allele origin: germline. Affected: yes. Observed: 1 variant allele.
Comment: RAI1: BP4